The following is an entry in ClinVar:

NM_001037333.3(CYFIP2):c.942G>C (p.Glu314Asp)

Gene: CYFIP2 (cytoplasmic FMR1 interacting protein 2; plus strand). Cytogenetic location: 5q33.3.
Variant type: single nucleotide variant.
Coding change: c.942G>C on transcript NM_001037333.3 (MANE Select); coding-DNA position 942, G replaced by C.
Protein change: p.Glu314Asp; replaces glutamic acid 314 with aspartic acid.
Molecular consequence: missense variant.
Genome position (GRCh38, 1-based): chr5:157,309,784, G>C. VCF-style: chr5-157309784-G-C. GRCh37 (hg19) VCF-style: chr5-156736792-G-C.
Other names: c.864G>C, p.Glu288Asp (NM_001291721.2); c.942G>C, p.Glu314Asp (NM_001291722.2, NM_014376.4); short protein forms E288D, E314D.
Identifiers: ClinVar variation 4781621 (VCV004781621.1).

ClinVar aggregate classification (germline): Uncertain significance (1 of 4 stars; one submission).

Submission:

Labcorp Genetics (formerly Invitae), Labcorp
Classification: Uncertain significance. Last evaluated: 2025-03-09. Review status: criteria provided, single submitter. Criteria: Invitae Variant Classification Sherloc (09022015). Collection method: clinical testing. Allele origin: germline.
Comment: This sequence change replaces glutamic acid, which is acidic and polar, with aspartic acid, which is acidic and polar, at codon 314 of the CYFIP2 protein (p.Glu314Asp). This variant is not present in population databases (gnomAD no frequency). This variant has not been reported in the literature in individuals affected with CYFIP2-related conditions. Experimental studies and prediction algorithms are not available or were not evaluated, and the functional significance of this variant is currently unknown. In summary, the available evidence is currently insufficient to determine the role of this variant in disease. Therefore, it has been classified as a Variant of Uncertain Significance.